The following is an entry in ClinVar:

NM_001366385.1(CARD14):c.2558A>G (p.Lys853Arg)

Genes: CARD14 (caspase recruitment domain family member 14; plus strand), SGSH (N-sulfoglucosamine sulfohydrolase; minus strand), LOC126862662 (MED14-independent group 3 enhancer GRCh37_chr17:78178385-78179584; plus strand). Cytogenetic location: 17q25.3.
Variant type: single nucleotide variant.
Coding change: c.2558A>G on transcript NM_001366385.1 (MANE Select); coding-DNA position 2558, A replaced by G.
Protein change: p.Lys853Arg; replaces lysine 853 with arginine.
Molecular consequence: missense variant. On other transcripts: non-coding transcript variant (1).
Genome position (GRCh38, 1-based): chr17:80,205,194, A>G. VCF-style: chr17-80205194-A-G. GRCh37 (hg19) VCF-style: chr17-78178993-A-G.
Other names: c.2558A>G, p.Lys853Arg (NM_024110.4); short protein forms K853R.
Identifiers: ClinVar variation 5033683 (VCV005033683.1).

ClinVar aggregate classification (germline): Uncertain significance (1 of 4 stars; one submission).

Conditions:
Inborn genetic diseases. Identifiers: MedGen C0950123, MeSH D030342.

gnomAD v4.1: 4 of 1,612,166 alleles (0.00025%); highest among the groups gnomAD compares: Admixed American, 0.0017%; no homozygotes.

Submission:

Ambry Genetics
Classification: Uncertain significance for Inborn genetic diseases. Last evaluated: 2026-08-05. Review status: criteria provided, single submitter. Criteria: Ambry Variant Classification Scheme 2023. Collection method: clinical testing. Allele origin: germline.
Comment: The c.2558A>G (p.K853R) alteration is located in exon 18 (coding exon 17) of the CARD14 gene. This alteration results from a A to G substitution at nucleotide position 2558, causing the lysine (K) at amino acid position 853 to be replaced by an arginine (R). Based on data from gnomAD, the G allele has an overall frequency of 0.001% (2/248820) total alleles studied. The highest observed frequency was 0.017% (1/6056) of Other alleles. Based on insufficient or conflicting evidence, the clinical significance of this alteration remains unclear.